The following is an entry in ClinVar:

ClinVar aggregate classification (germline): Pathogenic (1 of 4 stars; one submission).

Submission:

Labcorp Genetics (formerly Invitae), Labcorp
Classification: Pathogenic. Last evaluated: 2024-01-24. Review status: criteria provided, single submitter. Criteria: Invitae Variant Classification Sherloc (09022015). Collection method: clinical testing. Allele origin: germline.
Comment: This sequence change creates a premature translational stop signal (p.Ile91Hisfs*5) in the TBX20 gene. It is expected to result in an absent or disrupted protein product. Loss-of-function variants in TBX20 are known to be pathogenic (PMID: 15901664, 25625280, 26118961, 27510170). This variant is not present in population databases (gnomAD no frequency). This variant has not been reported in the literature in individuals affected with TBX20-related conditions. ClinVar contains an entry for this variant (Variation ID: 1378678). Algorithms developed to predict the effect of sequence changes on RNA splicing suggest that this variant may disrupt the consensus splice site. For these reasons, this variant has been classified as Pathogenic.

Literature cited by the submitters: PubMed 15901664; PubMed 25625280; PubMed 26118961; PubMed 27510170.

NM_001077653.2(TBX20):c.270dup (p.Ile91fs)

Gene: TBX20 (T-box transcription factor 20; minus strand). Cytogenetic location: 7p14.2.
Variant type: Duplication.
Coding change: c.270dup on transcript NM_001077653.2 (MANE Select); coding-DNA position 270, one base duplicated (C; older notation c.270dupC).
Protein change: p.Ile91fs; shifts the reading frame from isoleucine 91.
Molecular consequence: frameshift variant.
Genome position (GRCh38, 1-based): chr7:35,250,061, G duplicated on the plus strand (C on the coding strand, the reverse complement: TBX20 is on the minus strand); the first of 5 consecutive G bases (chr7:35,250,061-35,250,065); duplicating any one gives the same sequence. VCF-style (leftmost placement, unchanged base first): chr7-35250060-T-TG. GRCh37 (hg19) VCF-style: chr7-35289672-T-TG.
Other names: c.270dup, p.Ile91fs (NM_001166220.1); short protein forms I91fs.
Identifiers: ClinVar variation 1378678 (VCV001378678.6), dbSNP rs2128716140, ClinGen allele CA2573142090.